The following is an entry in ClinVar:

ClinVar aggregate classification (germline): Uncertain significance (1 of 4 stars; one submission).

Conditions:
Anauxetic dysplasia. Identifiers: Orphanet 93347, MedGen C1846796, MONDO:0011773.

Submission:

Labcorp Genetics (formerly Invitae), Labcorp
Classification: Uncertain significance for Anauxetic dysplasia. Last evaluated: 2023-06-16. Review status: criteria provided, single submitter. Criteria: Invitae Variant Classification Sherloc (09022015). Collection method: clinical testing. Allele origin: germline.
Comment: This variant is not present in population databases (gnomAD no frequency). This variant occurs in the RMRP gene, which encodes an RNA molecule that does not result in a protein product. This variant has not been reported in the literature in individuals affected with RMRP-related conditions. Experimental studies and prediction algorithms are not available or were not evaluated, and the functional significance of this variant is currently unknown. In summary, the available evidence is currently insufficient to determine the role of this variant in disease. Therefore, it has been classified as a Variant of Uncertain Significance.

NC_000009.12:g.35657739C>A

Gene: RMRP (RNA component of mitochondrial RNA processing endoribonuclease; minus strand). Cytogenetic location: 9p13.3.
Variant type: single nucleotide variant.
Genome position: GRCh38 VCF-style: chr9-35657739-C-A. GRCh37 (hg19) VCF-style: chr9-35657736-C-A.
Identifiers: ClinVar variation 2717167 (VCV002717167.3), dbSNP rs1451219801, ClinGen allele CA2697557712.
Genomic context (GRCh38, chr9:35,657,739, plus strand): 5'-AGCCTGAGGTGAGGCATCGCGTGAGCCCGGGGAGGTCGAGGCTGCAGTGAGCCGTGGTCT[C>A]GGGAACAAAAAACAGCCGCGCTGAGAATGAGCCCCGTGTGGTTGGTGCGCGGACACGCAC-3'